The following is an entry in ClinVar:

NM_006282.5(STK4):c.946G>T (p.Asp316Tyr)

Gene: STK4 (serine/threonine kinase 4; plus strand). Cytogenetic location: 20q13.12.
Variant type: single nucleotide variant.
Coding change: c.946G>T on transcript NM_006282.5 (MANE Select); coding-DNA position 946, G replaced by T.
Protein change: p.Asp316Tyr; replaces aspartic acid 316 with tyrosine.
Molecular consequence: missense variant.
Genome position (GRCh38, 1-based): chr20:45,000,506, G>T. VCF-style: chr20-45000506-G-T. GRCh37 (hg19) VCF-style: chr20-43629147-G-T.
Other names: c.946G>T, p.Asp316Tyr (NM_001352385.2); short protein forms D316Y.
Identifiers: ClinVar variation 2193714 (VCV002193714.1), dbSNP rs374601797, ClinGen allele CA9873934.
Genomic context (GRCh38, chr20:45,000,506, plus strand): 5'-GAAGCCATGGATGTGAAACTGAAACGCCAGGAATCCCAGCAGCGGGAAGTGGACCAGGAC[G>T]ATGAAGAAAACTCAGTGAGTGGCAGCCGTTGCTGTGGGCCTCAGACATTGATGCTTGTTA-3'
Protein context (NP_006273.1, residues 306-326): ESQQREVDQD[Asp316Tyr]EENSEEDEMD

ClinVar aggregate classification (germline): Uncertain significance (1 of 4 stars; one submission).

Conditions:
Combined immunodeficiency due to STK4 deficiency (IMD110). Also called: T-cell immunodeficiency, recurrent infections, and autoimmunity with or without cardiac malformations; STK4 DEFICIENCY; MST1 DEFICIENCY. Identifiers: Orphanet 314689, MedGen C3553943, MONDO:0013934, OMIM 614868.

Allele frequency attached by ClinVar (database versions not stated): TOPMed 0.00003.
gnomAD v4.1: 23 of 1,613,878 alleles (0.0014%); highest among the groups gnomAD compares: South Asian, 0.0099%; no homozygotes.

Submission:

Labcorp Genetics (formerly Invitae), Labcorp
Classification: Uncertain significance for Combined immunodeficiency due to STK4 deficiency. Last evaluated: 2022-06-27. Review status: criteria provided, single submitter. Criteria: Invitae Variant Classification Sherloc (09022015). Collection method: clinical testing. Allele origin: germline.
Comment: This sequence change replaces aspartic acid, which is acidic and polar, with tyrosine, which is neutral and polar, at codon 316 of the STK4 protein (p.Asp316Tyr). This variant is present in population databases (rs374601797, gnomAD 0.006%). This variant has not been reported in the literature in individuals affected with STK4-related conditions. Advanced modeling of protein sequence and biophysical properties (such as structural, functional, and spatial information, amino acid conservation, physicochemical variation, residue mobility, and thermodynamic stability) performed at Invitae indicates that this missense variant is not expected to disrupt STK4 protein function. In summary, the available evidence is currently insufficient to determine the role of this variant in disease. Therefore, it has been classified as a Variant of Uncertain Significance.